The following is an entry in ClinVar:

ClinVar aggregate classification (germline): Uncertain significance. Review status: criteria provided, multiple submitters, no conflicts (2 of 4 stars). 2 submissions from 2 submitters: Uncertain significance (2). Last evaluated 2024-09-08.

Conditions:
Inborn genetic diseases. Identifiers: MedGen C0950123, MeSH D030342.
Mitochondrial DNA depletion syndrome 9 (MTDPS9). Also called: SUCLG1-Related Mitochondrial DNA Depletion Syndrome, Encephalomyopathic Form with Methylmalonic Aciduria. Identifiers: Orphanet 17, MedGen C3151476, MONDO:0009504, OMIM 245400.

Allele frequency attached by ClinVar (database versions not stated): gnomAD 0.00002; TOPMed 0.00002.
gnomAD v4.1: 29 of 1,550,594 alleles (0.0019%); highest among the groups gnomAD compares: African/African-American, 0.0027%; no homozygotes.

Submissions (2):

Ambry Genetics
Classification: Uncertain significance for Inborn genetic diseases. Last evaluated: 2024-09-08. Review status: criteria provided, single submitter. Criteria: Ambry Variant Classification Scheme 2023. Collection method: clinical testing. Allele origin: germline.

Labcorp Genetics (formerly Invitae), Labcorp
Classification: Uncertain significance for Mitochondrial DNA depletion syndrome 9. Last evaluated: 2022-08-22. Review status: criteria provided, single submitter. Criteria: Invitae Variant Classification Sherloc (09022015). Collection method: clinical testing. Allele origin: germline.
Comment: This sequence change replaces alanine, which is neutral and non-polar, with serine, which is neutral and polar, at codon 12 of the SUCLG1 protein (p.Ala12Ser). This variant is present in population databases (rs750383306, gnomAD no frequency). This variant has not been reported in the literature in individuals affected with SUCLG1-related conditions. Algorithms developed to predict the effect of missense changes on protein structure and function are either unavailable or do not agree on the potential impact of this missense change (SIFT: "Deleterious"; PolyPhen-2: "Not Available"; Align-GVGD: "Class C0"). In summary, the available evidence is currently insufficient to determine the role of this variant in disease. Therefore, it has been classified as a Variant of Uncertain Significance.

NM_003849.4(SUCLG1):c.34G>T (p.Ala12Ser)

Gene: SUCLG1 (succinate-CoA ligase GDP/ADP-forming subunit alpha; minus strand). Cytogenetic location: 2p11.2.
Variant type: single nucleotide variant.
Coding change: c.34G>T on transcript NM_003849.4 (MANE Select); coding-DNA position 34, G replaced by T.
Protein change: p.Ala12Ser; replaces alanine 12 with serine.
Molecular consequence: missense variant.
Genome position (GRCh38, 1-based): chr2:84,459,236, C>A on the plus strand (G>T on the coding strand, the complement: SUCLG1 is on the minus strand). VCF-style: chr2-84459236-C-A. GRCh37 (hg19) VCF-style: chr2-84686360-C-A.
Other names: c.34G>T (NM_003849.3); short protein forms A12S.
Identifiers: ClinVar variation 2087150 (VCV002087150.2), dbSNP rs750383306, ClinGen allele CA52257091.